The following is an entry in ClinVar:

ClinVar aggregate classification (germline): Benign. Review status: criteria provided, multiple submitters, no conflicts (2 of 4 stars). 3 submissions from 3 submitters: Benign (2). 1 of the submissions does not count toward it. Last evaluated 2026-10-01.

Conditions:
6-Pyruvoyl-tetrahydrobiopterin synthase deficiency. Also called: PTS DEFICIENCY; 6-Pyruvoyltetrahydropterin Synthase Deficiency; HYPERPHENYLALANINEMIA, TETRAHYDROBIOPTERIN-DEFICIENT, DUE TO PTS DEFICIENCY; BH4-deficient hyperphenylalaninemia A; PTS-Related Tetrahydrobiopterin Deficiency; Hyperphenylalanemia, BH4-deficient, A. Identifiers: Orphanet 13, Orphanet 238583, MedGen C0878676, MONDO:0009863, OMIM 261640.
PTS-related disorder. Also called: PTS-related condition.

Submissions (3):

CeGaT Center for Human Genetics Tuebingen
Classification: Benign. Last evaluated: 2026-10-01. Review status: criteria provided, single submitter. Criteria: CeGaT Center For Human Genetics Tuebingen Variant Classification Criteria Version 2. Collection method: clinical testing. Allele origin: germline. Affected: yes. Observed: 22 variant alleles.
Comment: PTS: BS1, BS2

Labcorp Genetics (formerly Invitae), Labcorp
Classification: Benign for 6-Pyruvoyl-tetrahydrobiopterin synthase deficiency. Last evaluated: 2026-02-02. Review status: criteria provided, single submitter. Criteria: Invitae Variant Classification Sherloc (09022015). Collection method: clinical testing. Allele origin: germline.

PreventionGenetics, part of Exact Sciences
Classification: Benign for PTS-related condition. Last evaluated: 2019-04-29. Review status: no assertion criteria provided. Collection method: clinical testing. Allele origin: germline. Not counted in ClinVar's aggregate classification.
Comment: This variant is classified as benign based on ACMG/AMP sequence variant interpretation guidelines (Richards et al. 2015 PMID: 25741868, with internal and published modifications).

NM_000317.3(PTS):c.163+718TTG[3]

Gene: PTS (6-pyruvoyltetrahydropterin synthase; plus strand). Cytogenetic location: 11q23.1.
Variant type: Microsatellite.
Coding change: c.163+718TTG[3] on transcript NM_000317.3 (MANE Select); three copies in a row of the 3-base unit TTG starting at c.163+718.
Molecular consequence: intron variant.
Genome position: GRCh38 VCF-style: chr11-112229390-TTTG-T. GRCh37 (hg19) VCF-style: chr11-112100113-TTTG-T.
Other names: c.163+729_163+731delGTT (NM_000317.2).
Identifiers: ClinVar variation 2642373 (VCV002642373.26), dbSNP rs201365973, ClinGen allele CA228598029.
Genomic context (GRCh38, chr11:112,229,390, plus strand): 5'-GAACTAAAATACATAAATTCATAAAAGTTATTAATGTGTAAAGCACTGATAAAGTTTTTT[TTTG>T]TTGTTGTTGTTTTTTTTTTTGAGATGGAGTTCCACTCTTTTTGCCCAGGCTGGAATGGTG-3'